The following is an entry in ClinVar:

ClinVar aggregate classification (germline): Pathogenic (1 of 4 stars; one submission).

Conditions:
Arrhythmogenic cardiomyopathy with wooly hair and keratoderma. Also called: PALMOPLANTAR KERATODERMA WITH LEFT VENTRICULAR CARDIOMYOPATHY AND WOOLLY HAIR; Carvajal syndrome; Dilated cardiomyopathy with woolly hair and keratoderma; Arrhythmogenic cardiomyopathy with woolly hair and keratoderma. Identifiers: Orphanet 65282, MedGen C1854063, MONDO:0011581, OMIM 605676.
Arrhythmogenic right ventricular dysplasia 8 (ARVD8). Also called: ARRHYTHMOGENIC RIGHT VENTRICULAR DYSPLASIA, FAMILIAL, 8; Arrhythmogenic Right Ventricular Dysplasia/Cardiomyopathy 8; ARRHYTHMOGENIC RIGHT VENTRICULAR CARDIOMYOPATHY 8. Identifiers: MedGen C1843896, MONDO:0011831, OMIM 607450.

Submission:

Labcorp Genetics (formerly Invitae), Labcorp
Classification: Pathogenic for Arrhythmogenic cardiomyopathy with wooly hair and keratoderma; Arrhythmogenic right ventricular dysplasia 8. Last evaluated: 2022-12-02. Review status: criteria provided, single submitter. Criteria: Invitae Variant Classification Sherloc (09022015). Collection method: clinical testing. Allele origin: germline.
Comment: This variant is not present in population databases (gnomAD no frequency). This sequence change creates a premature translational stop signal (p.Thr687Ilefs*7) in the DSP gene. It is expected to result in an absent or disrupted protein product. Loss-of-function variants in DSP are known to be pathogenic (PMID: 20716751, 24503780, 25227139). This variant has not been reported in the literature in individuals affected with DSP-related conditions. For these reasons, this variant has been classified as Pathogenic. ClinVar contains an entry for this variant (Variation ID: 1452625).

Literature cited by the submitters: PubMed 20716751; PubMed 24503780; PubMed 25227139.

NM_004415.4(DSP):c.2060del (p.Thr687fs)

Gene: DSP (desmoplakin; plus strand). Cytogenetic location: 6p24.3.
Variant type: Deletion.
Coding change: c.2060del on transcript NM_004415.4 (MANE Select); coding-DNA position 2060, one base deleted (C; older notation c.2060delC).
Protein change: p.Thr687fs; shifts the reading frame from threonine 687.
Molecular consequence: frameshift variant.
Genome position (GRCh38, 1-based): chr6:7,571,998, C deleted. VCF-style (leftmost placement, unchanged base first): chr6-7571997-AC-A. GRCh37 (hg19) VCF-style: chr6-7572230-AC-A.
Other names: c.2060del, p.Thr687fs (NM_001008844.3, NM_001319034.2); short protein forms T687fs.
Identifiers: ClinVar variation 1452625 (VCV001452625.6), dbSNP rs2113680129, ClinGen allele CA2573140858.
Genomic context (GRCh38, chr6:7,571,997, plus strand): 5'-TGGATGCTGATGGAGCTGCAGAAGATTCGCAGGCAGATAGAGCACTGCGAGGGCAGGATG[AC>A]TCTCAAAAACCTCCCTCTAGCAGACCAGGGATCTTCTCACCACATCACAGTGAAAATTAA-3'